The following is an entry in ClinVar:

NM_006904.7(PRKDC):c.268T>C (p.Cys90Arg)

Gene: PRKDC (protein kinase, DNA-activated, catalytic subunit; minus strand). Cytogenetic location: 8q11.21.
Variant type: single nucleotide variant.
Coding change: c.268T>C on transcript NM_006904.7 (MANE Select); coding-DNA position 268, T replaced by C.
Protein change: p.Cys90Arg; replaces cysteine 90 with arginine.
Molecular consequence: missense variant.
Genome position (GRCh38, 1-based): chr8:47,957,227, A>G on the plus strand (T>C on the coding strand, the complement: PRKDC is on the minus strand). VCF-style: chr8-47957227-A-G. GRCh37 (hg19) VCF-style: chr8-48869787-A-G.
Other names: c.268T>C, p.Cys90Arg (NM_001081640.2); short protein forms C90R.
Identifiers: ClinVar variation 1794791 (VCV001794791.2), dbSNP rs2551882332, ClinGen allele CA371141075.

ClinVar aggregate classification (germline): Uncertain significance (1 of 4 stars; one submission).

Submission:

Ambry Genetics
Classification: Uncertain significance. Last evaluated: 2022-07-27. Review status: criteria provided, single submitter. Criteria: Ambry Variant Classification Scheme 2023. Collection method: clinical testing. Allele origin: germline.
Comment: The p.C90R variant (also known as c.268T>C), located in coding exon 3 of the PRKDC gene, results from a T to C substitution at nucleotide position 268. The cysteine at codon 90 is replaced by arginine, an amino acid with highly dissimilar properties. This amino acid position is conserved. In addition, this alteration is predicted to be tolerated by in silico analysis. Since supporting evidence is limited at this time, the clinical significance of this alteration remains unclear.